The following is an entry in ClinVar:

ClinVar aggregate classification (germline): Uncertain significance. Review status: criteria provided, multiple submitters, no conflicts (2 of 4 stars). 6 submissions from 6 submitters: Uncertain significance (6). Last evaluated 2026-02-10.

Conditions:
Hajdu-Cheney syndrome (HJCYS). Also called: ACROOSTEOLYSIS WITH OSTEOPOROSIS AND CHANGES IN SKULL AND MANDIBLE; SERPENTINE FIBULA-POLYCYSTIC KIDNEY SYNDROME; Acroosteolysis dominant type. Identifiers: Orphanet 955, MedGen C0917715, MONDO:0007057, OMIM 102500.
NOTCH2-related disorder. Also called: NOTCH2-related condition.

Allele frequency attached by ClinVar (database versions not stated): gnomAD 0.00005 and 0.00007; ExAC 0.00011; gnomAD exomes 0.00012 and 0.00016; TOPMed 0.00015.

Submissions (6):

PreventionGenetics, part of Exact Sciences
Classification: Uncertain significance for NOTCH2-related condition. Last evaluated: 2026-02-10. Review status: criteria provided, single submitter. Criteria: ACMG Guidelines, 2015. Collection method: clinical testing. Allele origin: germline.
Comment: The NOTCH2 c.4699C>T variant is predicted to result in the amino acid substitution p.Arg1567Trp. This variant was reported in an individual with neonatal cholestasis (Table 1, Shaul et al. 2019. PubMed ID: 31595186). This variant is reported in 0.051% of alleles in individuals of Latino descent in gnomAD. Although we suspect that this variant may be benign, at this time, the clinical significance of this variant is uncertain due to the absence of conclusive functional and genetic evidence.

Labcorp Genetics (formerly Invitae), Labcorp
Classification: Uncertain significance for Hajdu-Cheney syndrome. Last evaluated: 2025-12-28. Review status: criteria provided, single submitter. Criteria: Invitae Variant Classification Sherloc (09022015). Collection method: clinical testing. Allele origin: germline.
Comment: This sequence change replaces arginine, which is basic and polar, with tryptophan, which is neutral and slightly polar, at codon 1567 of the NOTCH2 protein (p.Arg1567Trp). This variant is present in population databases (rs552225415, gnomAD 0.05%), and has an allele count higher than expected for a pathogenic variant. This missense change has been observed in individual(s) with clinical features of Alagille syndrome (PMID: 31595186). ClinVar contains an entry for this variant (Variation ID: 290899). Invitae Evidence Modeling of protein sequence and biophysical properties (such as structural, functional, and spatial information, amino acid conservation, physicochemical variation, residue mobility, and thermodynamic stability) indicates that this missense variant is not expected to disrupt NOTCH2 protein function with a negative predictive value of 80%. In summary, the available evidence is currently insufficient to determine the role of this variant in disease. Therefore, it has been classified as a Variant of Uncertain Significance.

Blueprint Genetics
Classification: Uncertain significance. Last evaluated: 2024-11-25. Review status: criteria provided, single submitter. Criteria: ACMG Guidelines, 2015. Collection method: clinical testing. Allele origin: germline.

GeneDx
Classification: Uncertain significance. Last evaluated: 2024-03-06. Review status: criteria provided, single submitter. Criteria: GeneDx Variant Classification Process June 2021. Collection method: clinical testing. Allele origin: germline. Affected: yes.
Comment: In silico analysis supports that this missense variant has a deleterious effect on protein structure/function; This variant is associated with the following publications: (PMID: 35567760, 31595186)

Revvity Omics, Revvity
Classification: Uncertain significance. Last evaluated: 2020-12-15. Review status: criteria provided, single submitter. Criteria: ACMG Guidelines, 2015. Collection method: clinical testing. Allele origin: germline.

Eurofins Ntd Llc (ga)
Classification: Uncertain significance. Last evaluated: 2018-01-16. Review status: criteria provided, single submitter. Criteria: EGL Classification Definitions 2015. Collection method: clinical testing. Allele origin: germline. Observed: 4 variant alleles, 4 heterozygotes.

Literature cited by the submitters: PubMed 31595186 (cited by Labcorp Genetics (formerly Invitae), Labcorp).

NM_024408.4(NOTCH2):c.4699C>T (p.Arg1567Trp)

Gene: NOTCH2 (notch receptor 2; minus strand). Cytogenetic location: 1p12.
Variant type: single nucleotide variant.
Coding change: c.4699C>T on transcript NM_024408.4 (MANE Select); coding-DNA position 4699, C replaced by T.
Protein change: p.Arg1567Trp; replaces arginine 1567 with tryptophan.
Molecular consequence: missense variant.
Genome position (GRCh38, 1-based): chr1:119,923,797, G>A on the plus strand (C>T on the coding strand, the complement: NOTCH2 is on the minus strand). VCF-style: chr1-119923797-G-A. GRCh37 (hg19) VCF-style: chr1-120466420-G-A.
Other names: c.4699C>T (NM_024408.3); short protein forms R1567W.
Identifiers: ClinVar variation 290899 (VCV000290899.17), dbSNP rs552225415, ClinGen allele CA1039816.